The following is an entry in ClinVar:

NM_006015.6(ARID1A):c.5636G>A (p.Arg1879Gln)

Gene: ARID1A (AT-rich interaction domain 1A; plus strand). Cytogenetic location: 1p36.11.
Variant type: single nucleotide variant.
Coding change: c.5636G>A on transcript NM_006015.6 (MANE Select); coding-DNA position 5636, G replaced by A.
Protein change: p.Arg1879Gln; replaces arginine 1879 with glutamine.
Molecular consequence: missense variant.
Genome position (GRCh38, 1-based): chr1:26,779,534, G>A. VCF-style: chr1-26779534-G-A. GRCh37 (hg19) VCF-style: chr1-27106025-G-A.
Other names: c.4985G>A, p.Arg1662Gln (NM_139135.4); short protein forms R1662Q, R1879Q.
Identifiers: ClinVar variation 975334 (VCV000975334.23), dbSNP rs371595717, ClinGen allele CA707734.

ClinVar aggregate classification (germline): Likely benign. Review status: criteria provided, multiple submitters, no conflicts (2 of 4 stars). 6 submissions from 6 submitters: Likely benign (2). 4 of the submissions do not count toward it. Last evaluated 2026-03-01.

Conditions:
ARID1A-related disorder. Also called: ARID1A-related condition.
Intellectual disability. Also called: Intellectual developmental disorder; intellectual disabilities; Intellectual functioning disability. Identifiers: MedGen C3714756, MeSH D008607, MONDO:0001071, HP:0001249.

Allele frequency attached by ClinVar (database versions not stated): ExAC 0.00008; TOPMed 0.00009; gnomAD 0.00011; gnomAD exomes 0.00017; ESP Exome Variant Server 0.00023.
gnomAD v4.1: 264 of 1,613,964 alleles (0.016%); highest among the groups gnomAD compares: Non-Finnish European, 0.021%; no homozygotes.

Submissions (6):

CeGaT Center for Human Genetics Tuebingen
Classification: Likely benign. Last evaluated: 2026-03-01. Review status: criteria provided, single submitter. Criteria: CeGaT Center For Human Genetics Tuebingen Variant Classification Criteria Version 2. Collection method: clinical testing. Allele origin: germline. Affected: yes. Observed: 2 variant alleles.
Comment: ARID1A: PP2, BP4, BS2

Labcorp Genetics (formerly Invitae), Labcorp
Classification: Likely benign. Last evaluated: 2025-09-15. Review status: criteria provided, single submitter. Criteria: Invitae Variant Classification Sherloc (09022015). Collection method: clinical testing. Allele origin: germline.

PreventionGenetics, part of Exact Sciences
Classification: Likely benign for ARID1A-related condition. Last evaluated: 2021-11-01. Review status: no assertion criteria provided. Collection method: clinical testing. Allele origin: germline. Not counted in ClinVar's aggregate classification.
Comment: This variant is classified as likely benign based on ACMG/AMP sequence variant interpretation guidelines (Richards et al. 2015 PMID: 25741868, with internal and published modifications).

Centre de Biologie Pathologie Génétique, Centre Hospitalier Universitaire de Lille
Classification: Likely benign for Intellectual disability. Last evaluated: 2019-01-01. Review status: no assertion criteria provided. Collection method: clinical testing. Allele origin: inherited. Affected: yes. Not counted in ClinVar's aggregate classification.

Clinical Genetics DNA and cytogenetics Diagnostics Lab, Erasmus MC, Erasmus Medical Center
Classification: Likely benign. Review status: no assertion criteria provided. Collection method: clinical testing. Allele origin: germline. Affected: yes. Study: VKGL Data-share Consensus. Not counted in ClinVar's aggregate classification.

Genome Diagnostics Laboratory, University Medical Center Utrecht
Classification: Likely benign. Review status: no assertion criteria provided. Collection method: clinical testing. Allele origin: germline. Affected: yes. Study: VKGL Data-share Consensus. Not counted in ClinVar's aggregate classification.